The following is an entry in ClinVar:

NM_015915.5(ATL1):c.38G>C (p.Gly13Ala)

Gene: ATL1 (atlastin GTPase 1; plus strand). Cytogenetic location: 14q22.1.
Variant type: single nucleotide variant.
Coding change: c.38G>C on transcript NM_015915.5 (MANE Select); coding-DNA position 38, G replaced by C.
Protein change: p.Gly13Ala; replaces glycine 13 with alanine.
Molecular consequence: missense variant.
Genome position (GRCh38, 1-based): chr14:50,587,834, G>C. VCF-style: chr14-50587834-G-C. GRCh37 (hg19) VCF-style: chr14-51054552-G-C.
Other names: c.38G>C, p.Gly13Ala (NM_001127713.1, NM_181598.4); short protein forms G13A.
Identifiers: ClinVar variation 1405404 (VCV001405404.8), dbSNP rs2140201659, ClinGen allele CA389665135.

ClinVar aggregate classification (germline): Uncertain significance (1 of 4 stars; one submission).

Conditions:
Hereditary spastic paraplegia 3A (SPG3A). Also called: SPASTIC PARAPLEGIA 3, AUTOSOMAL DOMINANT; FAMILIAL SPASTIC PARAPLEGIA, AUTOSOMAL DOMINANT, 1; SPG3; STRUMPELL DISEASE; Spastic Paraplegia 3A; Spastic paraplegia 3A, autosomal dominant. Identifiers: Orphanet 100984, MedGen C2931355, MONDO:0008437, OMIM 182600.

Submission:

Labcorp Genetics (formerly Invitae), Labcorp
Classification: Uncertain significance for Hereditary spastic paraplegia 3A. Last evaluated: 2022-07-12. Review status: criteria provided, single submitter. Criteria: Invitae Variant Classification Sherloc (09022015). Collection method: clinical testing. Allele origin: germline.
Comment: In summary, the available evidence is currently insufficient to determine the role of this variant in disease. Therefore, it has been classified as a Variant of Uncertain Significance. Advanced modeling of protein sequence and biophysical properties (such as structural, functional, and spatial information, amino acid conservation, physicochemical variation, residue mobility, and thermodynamic stability) performed at Invitae indicates that this missense variant is not expected to disrupt ATL1 protein function. ClinVar contains an entry for this variant (Variation ID: 1405404). This variant has not been reported in the literature in individuals affected with ATL1-related conditions. This variant is not present in population databases (gnomAD no frequency). This sequence change replaces glycine, which is neutral and non-polar, with alanine, which is neutral and non-polar, at codon 13 of the ATL1 protein (p.Gly13Ala).